The following is an entry in ClinVar:

ClinVar aggregate classification (germline): Uncertain significance. Review status: criteria provided, multiple submitters, no conflicts (2 of 4 stars). 2 submissions from 2 submitters: Uncertain significance (2). Last evaluated 2024-08-14.

Allele frequency attached by ClinVar (database versions not stated): gnomAD exomes below 0.00001; ExAC 0.00001; TOPMed 0.00002; gnomAD 0.00003.
gnomAD v4.1: 10 of 1,600,390 alleles (0.00062%); highest among the groups gnomAD compares: African/African-American, 0.0013%; no homozygotes.

Submissions (2):

Ambry Genetics
Classification: Uncertain significance. Last evaluated: 2024-08-14. Review status: criteria provided, single submitter. Criteria: Ambry Variant Classification Scheme 2023. Collection method: clinical testing. Allele origin: germline.

Labcorp Genetics (formerly Invitae), Labcorp
Classification: Uncertain significance. Last evaluated: 2024-03-01. Review status: criteria provided, single submitter. Criteria: Invitae Variant Classification Sherloc (09022015). Collection method: clinical testing. Allele origin: germline.
Comment: This sequence change replaces glutamic acid, which is acidic and polar, with glutamine, which is neutral and polar, at codon 181 of the RNF13 protein (p.Glu181Gln). This variant is present in population databases (rs746501113, gnomAD 0.002%). This variant has not been reported in the literature in individuals affected with RNF13-related conditions. ClinVar contains an entry for this variant (Variation ID: 1903498). Advanced modeling of protein sequence and biophysical properties (such as structural, functional, and spatial information, amino acid conservation, physicochemical variation, residue mobility, and thermodynamic stability) performed at Invitae indicates that this missense variant is not expected to disrupt RNF13 protein function with a negative predictive value of 80%. In summary, the available evidence is currently insufficient to determine the role of this variant in disease. Therefore, it has been classified as a Variant of Uncertain Significance.

NM_183381.3(RNF13):c.541G>C (p.Glu181Gln)

Gene: RNF13 (ring finger protein 13; plus strand). Cytogenetic location: 3q25.1.
Variant type: single nucleotide variant.
Coding change: c.541G>C on transcript NM_183381.3 (MANE Select); coding-DNA position 541, G replaced by C.
Protein change: p.Glu181Gln; replaces glutamic acid 181 with glutamine.
Molecular consequence: missense variant. On other transcripts: non-coding transcript variant (1).
Genome position (GRCh38, 1-based): chr3:149,912,018, G>C. VCF-style: chr3-149912018-G-C. GRCh37 (hg19) VCF-style: chr3-149629805-G-C.
Other names: c.541G>C, p.Glu181Gln (NM_001378285.1, NM_001378286.1, NM_007282.4); c.184G>C, p.Glu62Gln (NM_001378287.1, NM_001378288.1, NM_001378289.1 and 2 more transcripts); c.148G>C, p.Glu50Gln (NM_001378291.1); short protein forms E50Q, E62Q, E181Q.
Identifiers: ClinVar variation 1903498 (VCV001903498.6), dbSNP rs746501113, ClinGen allele CA2663025.